The following is an entry in ClinVar:

NM_016373.4(WWOX):c.115GAG[1] (p.Glu40del)

Gene: WWOX (WW domain containing oxidoreductase; plus strand). Cytogenetic location: 16q23.1.
Variant type: Microsatellite.
Coding change: c.115GAG[1] on transcript NM_016373.4 (MANE Select); one copy of the 3-base unit GAG starting at c.115; the reference has two copies in a row; one copy, 3 bases deleted.
Protein change: p.Glu40del; deletes glutamic acid 40.
Molecular consequence: inframe deletion. On other transcripts: non-coding transcript variant (1), intron variant (1).
Genome position (GRCh38, 1-based): chr16:78,108,433-78,108,435, GAG deleted; deleting any 3 consecutive bases within chr16:78,108,430-78,108,435 gives the same sequence; the position shown is the placement nearest the transcript's 3' end. VCF-style (leftmost placement, unchanged base first): chr16-78108429-CGAG-C. GRCh37 (hg19) VCF-style: chr16-78142326-CGAG-C.
Other names: c.115GAG[1], p.Glu40del (NM_130791.5); c.-167-1345_-167-1343del (NM_001291997.2); short protein forms E40del.
Identifiers: ClinVar variation 1003587 (VCV001003587.4), dbSNP rs1301923654, ClinGen allele CA623605159.
Genomic context (GRCh38, chr16:78,108,429, plus strand): 5'-TTTTTAGAAGAGTTAATTTTTACTTATTACTGTGGATTTTTTGTTTTTTAACAGTCACAC[CGAG>C]GAGAAGACTCAGTGGGAACATCCAAAAACTGGAAAAAGAAAACGAGTGGCAGGAGGTTTG-3'

ClinVar aggregate classification (germline): Uncertain significance (1 of 4 stars; one submission).

Conditions:
Developmental and epileptic encephalopathy, 1 (DEE1). Also called: X-linked infantile spasms; West's syndrome; Tonic spasms with clustering, arrest of psychomotor development and hypsarrhythmia on EEG; X-Linked Infantile Spasm Syndrome; OHTAHARA SYNDROME, X-LINKED; Epileptic encephalopathy, early infantile, 1. Identifiers: MedGen C3463992, MONDO:0010632, OMIM 308350. Disease mechanism: loss of function.
Autosomal recessive spinocerebellar ataxia 12. Also called: SPINOCEREBELLAR ATAXIA WITH MENTAL RETARDATION AND EPILEPSY. Identifiers: Orphanet 284282, MedGen C3280452, MONDO:0013687, OMIM 614322.

Submission:

Labcorp Genetics (formerly Invitae), Labcorp
Classification: Uncertain significance for Developmental and epileptic encephalopathy, 1; Autosomal recessive spinocerebellar ataxia 12. Last evaluated: 2022-03-11. Review status: criteria provided, single submitter. Criteria: Invitae Variant Classification Sherloc (09022015). Collection method: clinical testing. Allele origin: germline.
Comment: This variant, c.118_120del, results in the deletion of 1 amino acid(s) of the WWOX protein (p.Glu40del), but otherwise preserves the integrity of the reading frame. This variant is present in population databases (no rsID available, gnomAD 0.0009%). This variant has not been reported in the literature in individuals affected with WWOX-related conditions. Experimental studies and prediction algorithms are not available or were not evaluated, and the functional significance of this variant is currently unknown. In summary, the available evidence is currently insufficient to determine the role of this variant in disease. Therefore, it has been classified as a Variant of Uncertain Significance.